The following is an entry in ClinVar:

ClinVar aggregate classification (germline): Pathogenic (1 of 4 stars; one submission).

Conditions:
Hereditary cancer-predisposing syndrome. Also called: Neoplastic Syndromes, Hereditary; Tumor predisposition; Hereditary Cancer Syndrome; Hereditary neoplastic syndrome. Identifiers: Orphanet 140162, MedGen C0027672, MeSH D009386, MONDO:0015356.

Submission:

Ambry Genetics
Classification: Pathogenic for Hereditary cancer-predisposing syndrome. Last evaluated: 2025-04-09. Review status: criteria provided, single submitter. Criteria: Ambry Variant Classification Scheme 2023. Collection method: clinical testing. Allele origin: germline.
Comment: The p.K2279* pathogenic mutation (also known as c.6835A>T), located in coding exon 46 of the ATM gene, results from an A to T substitution at nucleotide position 6835. This changes the amino acid from a lysine to a stop codon within coding exon 46. This variant is considered to be rare based on population cohorts in the Genome Aggregation Database (gnomAD). This alteration is expected to result in loss of function by premature protein truncation or nonsense-mediated mRNA decay. As such, this alteration is interpreted as a disease-causing mutation.

NM_000051.4(ATM):c.6835A>T (p.Lys2279Ter)

Genes: ATM (ATM serine/threonine kinase; plus strand), C11orf65 (chromosome 11 open reading frame 65; minus strand). Cytogenetic location: 11q22.3.
Variant type: single nucleotide variant.
Coding change: c.6835A>T on transcript NM_000051.4 (MANE Select); coding-DNA position 6835, A replaced by T.
Protein change: p.Lys2279Ter; replaces lysine 2279 with a stop codon.
Molecular consequence: nonsense. On other transcripts: intron variant (2).
Genome position (GRCh38, 1-based): chr11:108,326,085, A>T. VCF-style: chr11-108326085-A-T. GRCh37 (hg19) VCF-style: chr11-108196812-A-T.
Other names: c.6835A>T, p.Lys2279Ter (NM_001351834.2); c.641-17014T>A (NM_001330368.2); c.*38+9135T>A (NM_001351110.2); short protein forms K2279*.
Identifiers: ClinVar variation 3966130 (VCV003966130.1).